The following is an entry in ClinVar:

NM_022095.4(ZNF335):c.3640G>A (p.Val1214Ile)

Gene: ZNF335 (zinc finger protein 335; minus strand). Cytogenetic location: 20q13.12.
Variant type: single nucleotide variant.
Coding change: c.3640G>A on transcript NM_022095.4 (MANE Select); coding-DNA position 3640, G replaced by A.
Protein change: p.Val1214Ile; replaces valine 1214 with isoleucine.
Molecular consequence: missense variant.
Genome position (GRCh38, 1-based): chr20:45,949,829, C>T on the plus strand (G>A on the coding strand, the complement: ZNF335 is on the minus strand). VCF-style: chr20-45949829-C-T. GRCh37 (hg19) VCF-style: chr20-44578468-C-T.
Other names: short protein forms V1214I.
Identifiers: ClinVar variation 1427174 (VCV001427174.6), dbSNP rs774881765, ClinGen allele CA9884939.

ClinVar aggregate classification (germline): Uncertain significance. Review status: criteria provided, multiple submitters, no conflicts (2 of 4 stars). 2 submissions from 2 submitters: Uncertain significance (2). Last evaluated 2026-08-06.

Conditions:
Microcephalic primordial dwarfism due to ZNF335 deficiency. Also called: Primary autosomal recessive microcephaly 10. Identifiers: Orphanet 329228, MedGen C3554499, MONDO:0014043, OMIM 615095.

Allele frequency attached by ClinVar (database versions not stated): gnomAD 0.00005; TOPMed 0.00006; ExAC 0.00013; gnomAD exomes 0.00002 and 0.00010.

Submissions (2):

OLLIN Analises Genomicas, OLLIN
Classification: Uncertain significance for Microcephalic primordial dwarfism due to ZNF335 deficiency. Last evaluated: 2026-08-06. Review status: criteria provided, single submitter. Criteria: ACMG Guidelines 2015 PMID 25741868. Collection method: clinical testing. Allele origin: germline. Inheritance: Autosomal recessive inheritance.
Comment: This missense variant, located in exon 24 (of 28), has been reported in ClinVar (accession VCV001427174.5) and in gnomAD with an allele frequency of 0.0027%. However, to our knowledge, it has not been reported in the scientific literature. In silico analysis predicts that this variant has a tolerated effect. According to the currently available evidence, this variant has been classified as uncertain significance (PM2_P, BP4_M).

Labcorp Genetics (formerly Invitae), Labcorp
Classification: Uncertain significance. Last evaluated: 2024-10-24. Review status: criteria provided, single submitter. Criteria: Invitae Variant Classification Sherloc (09022015). Collection method: clinical testing. Allele origin: germline.
Comment: This sequence change replaces valine, which is neutral and non-polar, with isoleucine, which is neutral and non-polar, at codon 1214 of the ZNF335 protein (p.Val1214Ile). This variant is present in population databases (rs774881765, gnomAD 0.04%). This variant has not been reported in the literature in individuals affected with ZNF335-related conditions. ClinVar contains an entry for this variant (Variation ID: 1427174). An algorithm developed to predict the effect of missense changes on protein structure and function (PolyPhen-2) suggests that this variant is likely to be disruptive. In summary, the available evidence is currently insufficient to determine the role of this variant in disease. Therefore, it has been classified as a Variant of Uncertain Significance.